The following is an entry in ClinVar:

ClinVar aggregate classification (germline): Likely benign (1 of 4 stars; one submission).

gnomAD v4.1: 55 of 1,566,716 alleles (0.0035%); highest among the groups gnomAD compares: Admixed American, 0.092%; no homozygotes.

Submission:

Mayo Clinic Laboratories, Mayo Clinic
Classification: Likely benign. Last evaluated: 2024-09-30. Review status: criteria provided, single submitter. Criteria: ACMG Guidelines, 2015. Collection method: clinical testing. Allele origin: germline. Observed: 1 variant allele.
Comment: BS1

NM_001127649.3(PEX26):c.-20G>A

Genes: PEX26 (peroxisomal biogenesis factor 26; plus strand), LOC130066940 (ATAC-STARR-seq lymphoblastoid silent region 13448; plus strand). Cytogenetic location: 22q11.21.
Variant type: single nucleotide variant.
Coding change: c.-20G>A on transcript NM_001127649.3 (MANE Select); 20 bases upstream of the start codon, G replaced by A.
Molecular consequence: 5 prime UTR variant.
Genome position (GRCh38, 1-based): chr22:18,078,357, G>A. VCF-style: chr22-18078357-G-A. GRCh37 (hg19) VCF-style: chr22-18561123-G-A.
Other names: c.-20G>A (NM_001199319.2, NM_017929.6).
Identifiers: ClinVar variation 4684444 (VCV004684444.1).